The following is an entry in ClinVar:

NM_001903.5(CTNNA1):c.1368G>T (p.Gln456His)

Gene: CTNNA1 (catenin alpha 1; plus strand). Cytogenetic location: 5q31.2.
Variant type: single nucleotide variant.
Coding change: c.1368G>T on transcript NM_001903.5 (MANE Select); coding-DNA position 1368, G replaced by T.
Protein change: p.Gln456His; replaces glutamine 456 with histidine.
Molecular consequence: missense variant. On other transcripts: 5 prime UTR variant (4), intron variant (3).
Genome position (GRCh38, 1-based): chr5:138,904,420, G>T. VCF-style: chr5-138904420-G-T. GRCh37 (hg19) VCF-style: chr5-138240109-G-T.
Other names: c.1368G>T, p.Gln456His (NM_001290307.3, NM_001323982.2, NM_001323983.1 and 2 more transcripts); c.1059G>T, p.Gln353His (NM_001290309.3); c.999G>T, p.Gln333His (NM_001290310.3); c.258G>T, p.Gln86His (NM_001290312.1, NM_001323987.1, NM_001323988.1 and 17 more transcripts); c.-140G>T (NM_001324006.1, NM_001324007.1, NM_001324008.1 and 1 more transcripts); c.15G>T, p.Gln5His (NM_001324012.1, NM_001324013.1); c.1297-13322G>T (NM_001323986.2); c.187-13322G>T (NM_001324011.1); and 1 more; short protein forms Q353H, Q333H, Q456H, Q5H, Q86H.
Identifiers: ClinVar variation 2760812 (VCV002760812.3), dbSNP rs1581613999, ClinGen allele CA361136011.
Genomic context (GRCh38, chr5:138,904,420, plus strand): 5'-GGCCTGTTCCATCTCAAATAATGAAGAAGGTGTAAAGCTTGTTCGAATGTCTGCAAGCCA[G>T]TTAGAAGCCCTCTGTCCTCAGGTAAAGTACAACTGACACTGGTGACAGCATAACCAAATT-3'
Protein context (NP_001894.2, residues 446-466): GVKLVRMSAS[Gln456His]LEALCPQVIN

ClinVar aggregate classification (germline): Uncertain significance (1 of 4 stars; one submission).

Submission:

Labcorp Genetics (formerly Invitae), Labcorp
Classification: Uncertain significance. Last evaluated: 2023-09-15. Review status: criteria provided, single submitter. Criteria: Invitae Variant Classification Sherloc (09022015). Collection method: clinical testing. Allele origin: germline.
Comment: This sequence change replaces glutamine, which is neutral and polar, with histidine, which is basic and polar, at codon 456 of the CTNNA1 protein (p.Gln456His). In summary, the available evidence is currently insufficient to determine the role of this variant in disease. Therefore, it has been classified as a Variant of Uncertain Significance. An algorithm developed to predict the effect of missense changes on protein structure and function (PolyPhen-2) suggests that this variant is likely to be tolerated. This variant has not been reported in the literature in individuals affected with CTNNA1-related conditions. This variant is not present in population databases (gnomAD no frequency).